The following is an entry in ClinVar:

ClinVar aggregate classification (germline): Likely benign. Review status: criteria provided, multiple submitters, no conflicts (2 of 4 stars). 3 submissions from 3 submitters: Likely benign (2). 1 of the submissions does not count toward it. Last evaluated 2026-02-01.

Conditions:
Hereditary hyperinsulinism.

gnomAD v4.1: 9 of 1,614,192 alleles (0.00056%); highest among the groups gnomAD compares: Admixed American, 0.005%; no homozygotes.

Submissions (3):

Labcorp Genetics (formerly Invitae), Labcorp
Classification: Likely benign. Last evaluated: 2026-02-01. Review status: criteria provided, single submitter. Criteria: Invitae Variant Classification Sherloc (09022015). Collection method: clinical testing. Allele origin: germline.

CeGaT Center for Human Genetics Tuebingen
Classification: Likely benign. Last evaluated: 2026-01-01. Review status: criteria provided, single submitter. Criteria: CeGaT Center For Human Genetics Tuebingen Variant Classification Criteria Version 2. Collection method: clinical testing. Allele origin: germline. Affected: yes. Observed: 1 variant allele.
Comment: ABCC8: BP4, BP7

Natera, Inc.
Classification: Uncertain significance for Hereditary hyperinsulinism. Last evaluated: 2025-05-13. Review status: no assertion criteria provided. Collection method: clinical testing. Allele origin: germline. Not counted in ClinVar's aggregate classification.

NM_000352.6(ABCC8):c.3105G>A (p.Lys1035=)

Gene: ABCC8 (ATP binding cassette subfamily C member 8; minus strand). Cytogenetic location: 11p15.1.
Variant type: single nucleotide variant.
Coding change: c.3105G>A on transcript NM_000352.6 (MANE Select); coding-DNA position 3105, G replaced by A.
Protein change: p.Lys1035=; no amino-acid change (lysine 1035 retained).
Molecular consequence: synonymous variant. On other transcripts: non-coding transcript variant (1).
Genome position (GRCh38, 1-based): chr11:17,406,945, C>T on the plus strand (G>A on the coding strand, the complement: ABCC8 is on the minus strand). VCF-style: chr11-17406945-C-T. GRCh37 (hg19) VCF-style: chr11-17428492-C-T.
Other names: c.3108G>A, p.Lys1036= (NM_001287174.3); c.3171G>A, p.Lys1057= (NM_001351295.2); c.3105G>A, p.Lys1035= (NM_001351296.2); c.3102G>A, p.Lys1034= (NM_001351297.2); c.3105G>A (NM_000352.4).
Identifiers: ClinVar variation 3706683 (VCV003706683.7).